The following is an entry in ClinVar:

NC_000003.12:g.(?_122282103)_(122285191_?)del

Gene: CASR (calcium sensing receptor; plus strand). Cytogenetic location: 3q21.1.
Variant type: Deletion.
Identifiers: ClinVar variation 832717 (VCV000832717.8).

ClinVar aggregate classification (germline): Likely pathogenic (1 of 4 stars; one submission).

Conditions:
Autosomal dominant hypocalcemia 1 (HYPOC1). Also called: HYPOCALCEMIA, FAMILIAL. Identifiers: MedGen C3715128, MONDO:0011013, OMIM 601198.
Familial hypocalciuric hypercalcemia (FHH). Also called: Familial benign hypercalcemia. Identifiers: Orphanet 405, MedGen C1809471, MONDO:0018458.

Submission:

Labcorp Genetics (formerly Invitae), Labcorp
Classification: Likely pathogenic for Familial hypocalciuric hypercalcemia; Autosomal dominant hypocalcemia 1. Last evaluated: 2019-07-19. Review status: criteria provided, single submitter. Criteria: Invitae Variant Classification Sherloc (09022015). Collection method: clinical testing. Allele origin: germline.
Comment: This deletion is expected to disrupt the C-terminal region of the CASR protein containing the cysteine rich, transmembrane and intracellular domains (PMID: 20374733, 12890593). In addition, missense substitutions at codon 886 (p.Arg886Trp and p.Arg886Pro) have been reported in families affected with FHH and have been determined to be likely pathogenic (PMID: 17698911, 11807402, 20798521). This suggests that disruption of this region is causative of disease. In summary, the currently available evidence indicates that the variant is pathogenic, but additional data are needed to prove that conclusively. Therefore, this variant has been classified as Likely Pathogenic. This variant has not been reported in the literature in individuals with CASR-related conditions. This variant is a gross deletion of the genomic region encompassing exons 6-7 of the CASR gene. The 5' boundary is likely confined to intron 5. The 3' end of this event is unknown as it extends through the termination codon beyond the assayed region for this gene and may encompass additional genes. While this deletion is not anticipated to result in nonsense mediated decay, it is expected to create a truncated protein product or disrupt mRNA translation.

Literature cited by the submitters: PubMed 20374733; PubMed 12890593; PubMed 17698911; PubMed 11807402; PubMed 20798521.